The following is an entry in ClinVar:

NM_000051.4(ATM):c.135G>T (p.Arg45=)

Gene: ATM (ATM serine/threonine kinase; plus strand). Cytogenetic location: 11q22.3.
Variant type: single nucleotide variant.
Coding change: c.135G>T on transcript NM_000051.4 (MANE Select); coding-DNA position 135, G replaced by T.
Protein change: p.Arg45=; no amino-acid change (arginine 45 retained).
Molecular consequence: synonymous variant.
Genome position (GRCh38, 1-based): chr11:108,227,838, G>T. VCF-style: chr11-108227838-G-T. GRCh37 (hg19) VCF-style: chr11-108098565-G-T.
Other names: c.135G>T, p.Arg45= (NM_001351834.2, NM_001351835.2, NM_001351836.2).
Identifiers: ClinVar variation 478988 (VCV000478988.15), dbSNP rs970407823, ClinGen allele CA228368294.

ClinVar aggregate classification (germline): Benign/Likely benign. Review status: criteria provided, multiple submitters, no conflicts (2 of 4 stars). 3 submissions from 3 submitters: Benign (1); Likely benign (2). Last evaluated 2025-05-19.

Conditions:
Hereditary cancer-predisposing syndrome. Also called: Tumor predisposition; Neoplastic Syndromes, Hereditary; Hereditary Cancer Syndrome; Hereditary neoplastic syndrome. Identifiers: Orphanet 140162, MedGen C0027672, MeSH D009386, MONDO:0015356.
Familial cancer of breast. Also called: BREAST CANCER, FAMILIAL; Hereditary breast cancer; hereditary breast carcinoma. Identifiers: Orphanet 227535, MedGen C0346153, MONDO:0016419, OMIM 114480. Disease mechanism: loss of function.
Ataxia-telangiectasia syndrome (AT). Also called: Cerebello-oculocutaneous telangiectasia; Immunodeficiency with ataxia telangiectasia; ATAXIA-TELANGIECTASIA, COMPLEMENTATION GROUP A; Ataxia-telangiectasia, complementation group D; AT, COMPLEMENTATION GROUP C; ATAXIA-TELANGIECTASIA, FRESNO VARIANT. Identifiers: Orphanet 100, MedGen C0004135, MONDO:0008840, OMIM 208900.

Allele frequency attached by ClinVar (database versions not stated): gnomAD exomes below 0.00001; TOPMed 0.00005.
gnomAD v4.1: 1 of 1,613,278 alleles (0.000062%); highest among the groups gnomAD compares: African/African-American, 0.0013%; no homozygotes.

Submissions (3):

Labcorp Genetics (formerly Invitae), Labcorp
Classification: Likely benign for Ataxia-telangiectasia syndrome. Last evaluated: 2025-05-19. Review status: criteria provided, single submitter. Criteria: Invitae Variant Classification Sherloc (09022015). Collection method: clinical testing. Allele origin: germline.

Myriad Genetics, Inc.
Classification: Benign for Familial cancer of breast. Last evaluated: 2024-04-17. Review status: criteria provided, single submitter. Criteria: Myriad Autosomal Dominant, Autosomal Recessive and X-Linked Classification Criteria (2023). Collection method: clinical testing. Allele origin: unknown.
Comment: This variant is considered benign. This variant is a silent/synonymous amino acid change and it is not expected to impact splicing.

Ambry Genetics
Classification: Likely benign for Hereditary cancer-predisposing syndrome. Last evaluated: 2016-05-25. Review status: criteria provided, single submitter. Criteria: Ambry Variant Classification Scheme 2023. Collection method: clinical testing. Allele origin: germline.